The following is an entry in ClinVar:

ClinVar aggregate classification (germline): Uncertain significance (1 of 4 stars; one submission).

gnomAD v4.1: 1 of 1,570,704 alleles (0.000064%); highest among the groups gnomAD compares: South Asian, 0.0012%; no homozygotes.

Submission:

Labcorp Genetics (formerly Invitae), Labcorp
Classification: Uncertain significance. Last evaluated: 2025-09-19. Review status: criteria provided, single submitter. Criteria: Invitae Variant Classification Sherloc (09022015). Collection method: clinical testing. Allele origin: germline.
Comment: This sequence change replaces alanine, which is neutral and non-polar, with valine, which is neutral and non-polar, at codon 1206 of the ERBIN protein (p.Ala1206Val). This variant is not present in population databases (gnomAD no frequency). This variant has not been reported in the literature in individuals affected with ERBIN-related conditions. ClinVar contains an entry for this variant (Variation ID: 3652032). An algorithm developed to predict the effect of missense changes on protein structure and function (PolyPhen-2) suggests that this variant is likely to be disruptive. In summary, the available evidence is currently insufficient to determine the role of this variant in disease. Therefore, it has been classified as a Variant of Uncertain Significance.

NM_001253697.2(ERBIN):c.3617C>T (p.Ala1206Val)

Gene: ERBIN (erbb2 interacting protein; plus strand). Cytogenetic location: 5q12.3.
Variant type: single nucleotide variant.
Coding change: c.3617C>T on transcript NM_001253697.2 (MANE Select); coding-DNA position 3617, C replaced by T.
Protein change: p.Ala1206Val; replaces alanine 1206 with valine.
Molecular consequence: missense variant.
Genome position (GRCh38, 1-based): chr5:66,054,935, C>T. VCF-style: chr5-66054935-C-T. GRCh37 (hg19) VCF-style: chr5-65350763-C-T.
Other names: c.3617C>T, p.Ala1206Val (NM_001006600.3, NM_001253698.2, NM_001253699.2 and 1 more transcripts); c.3605C>T, p.Ala1202Val (NM_001253701.2); short protein forms A1202V, A1206V.
Identifiers: ClinVar variation 3652032 (VCV003652032.2).